The following is an entry in ClinVar:

NM_001098816.3(TENM4):c.2421C>T (p.Asn807=)

Gene: TENM4 (teneurin transmembrane protein 4; minus strand). Cytogenetic location: 11q14.1.
Variant type: single nucleotide variant.
Coding change: c.2421C>T on transcript NM_001098816.3 (MANE Select); coding-DNA position 2421, C replaced by T.
Protein change: p.Asn807=; no amino-acid change (asparagine 807 retained).
Molecular consequence: synonymous variant.
Genome position (GRCh38, 1-based): chr11:78,771,110, G>A on the plus strand (C>T on the coding strand, the complement: TENM4 is on the minus strand). VCF-style: chr11-78771110-G-A. GRCh37 (hg19) VCF-style: chr11-78482155-G-A.
Other names: p.Asn807=.
Identifiers: ClinVar variation 4683679 (VCV004683679.1).

ClinVar aggregate classification (germline): Benign (1 of 4 stars; one submission).

gnomAD v4.1: 22,565 of 1,571,940 alleles (1.4%); highest among the groups gnomAD compares: Non-Finnish European, 1.6%; 218 homozygotes.

Submission:

Mayo Clinic Laboratories, Mayo Clinic
Classification: Benign. Last evaluated: 2023-03-09. Review status: criteria provided, single submitter. Criteria: ACMG Guidelines, 2015. Collection method: clinical testing. Allele origin: germline. Observed: 20 variant alleles.
Comment: BS1, BS2, BP4, BP7